The following is an entry in ClinVar:

NM_003458.4(BSN):c.11682C>T (p.Ser3894=)

Gene: BSN (bassoon presynaptic cytomatrix protein; plus strand). Cytogenetic location: 3p21.31.
Variant type: single nucleotide variant.
Coding change: c.11682C>T on transcript NM_003458.4 (MANE Select); coding-DNA position 11682, C replaced by T.
Protein change: p.Ser3894=; no amino-acid change (serine 3894 retained).
Molecular consequence: synonymous variant.
Genome position (GRCh38, 1-based): chr3:49,664,496, C>T. VCF-style: chr3-49664496-C-T. GRCh37 (hg19) VCF-style: chr3-49701929-C-T.
Identifiers: ClinVar variation 3043734 (VCV003043734.2), dbSNP rs903078174, ClinGen allele CA74544206.

ClinVar aggregate classification (germline): Likely benign (0 of 4 stars; one submission).

Conditions:
BSN-related disorder. Also called: BSN-related condition.

Allele frequency attached by ClinVar (database versions not stated): gnomAD 0.00001; gnomAD exomes 0.00001; TOPMed 0.00001.
gnomAD v4.1: 10 of 1,612,656 alleles (0.00062%); highest among the groups gnomAD compares: South Asian, 0.0022%; no homozygotes.

Submission:

PreventionGenetics, part of Exact Sciences
Classification: Likely benign for BSN-related condition. Last evaluated: 2019-05-28. Review status: no assertion criteria provided. Collection method: clinical testing. Allele origin: germline.
Comment: This variant is classified as likely benign based on ACMG/AMP sequence variant interpretation guidelines (Richards et al. 2015 PMID: 25741868, with internal and published modifications).